The following is an entry in ClinVar:

NM_000312.4(PROC):c.1106C>T (p.Pro369Leu)

Gene: PROC (protein C, inactivator of coagulation factors Va and VIIIa; plus strand). Cytogenetic location: 2q14.3.
Variant type: single nucleotide variant.
Coding change: c.1106C>T on transcript NM_000312.4 (MANE Select); coding-DNA position 1106, C replaced by T.
Protein change: p.Pro369Leu; replaces proline 369 with leucine.
Molecular consequence: missense variant.
Genome position (GRCh38, 1-based): chr2:127,428,666, C>T. VCF-style: chr2-127428666-C-T. GRCh37 (hg19) VCF-style: chr2-128186242-C-T.
Other names: c.1289C>T, p.Pro430Leu (NM_001375602.1); c.1271C>T, p.Pro424Leu (NM_001375603.1); c.1169C>T, p.Pro390Leu (NM_001375604.1); c.1208C>T, p.Pro403Leu (NM_001375605.1); c.1274C>T, p.Pro425Leu (NM_001375606.1); c.1292C>T, p.Pro431Leu (NM_001375607.1); c.1049C>T, p.Pro350Leu (NM_001375608.1); c.1082C>T, p.Pro361Leu (NM_001375609.1); and 2 more; short protein forms P350L, P361L, P367L, P369L, P390L, P403L, P424L, P425L.
Identifiers: ClinVar variation 1067044 (VCV001067044.24), dbSNP rs1211098698, ClinGen allele CA348405818.
Genomic context (GRCh38, chr2:127,428,666, plus strand): 5'-AGAAGGAGGCCAAGAGAAACCGCACCTTCGTCCTCAACTTCATCAAGATTCCCGTGGTCC[C>T]GCACAATGAGTGCAGCGAGGTCATGAGCAACATGGTGTCTGAGAACATGCTGTGTGCGGG-3'
Protein context (NP_000303.1, residues 359-379): VLNFIKIPVV[Pro369Leu]HNECSEVMSN

ClinVar aggregate classification (germline): Conflicting classifications of pathogenicity. Review status: criteria provided, conflicting classifications (1 of 4 stars). 8 submissions from 7 submitters: Pathogenic (3); Likely pathogenic (2); Uncertain significance (1). 2 of the submissions do not count toward it. Last evaluated 2025-06-04.

Conditions:
Thrombophilia due to protein C deficiency, autosomal dominant. Also called: PROC DEFICIENCY, AUTOSOMAL DOMINANT; PROTEIN C DEFICIENCY, AUTOSOMAL DOMINANT. Identifiers: Orphanet 745, MedGen C2674321, MONDO:0008316, OMIM 176860. Disease mechanism: loss of function.
Thrombophilia due to protein C deficiency, autosomal recessive. Also called: PROC DEFICIENCY, AUTOSOMAL RECESSIVE; PROTEIN C DEFICIENCY, AUTOSOMAL RECESSIVE. Identifiers: Orphanet 745, MedGen C2676759, MONDO:0012860, OMIM 612304.

Allele frequency attached by ClinVar (database versions not stated): gnomAD exomes below 0.00001; gnomAD 0.00001; TOPMed 0.00001.
gnomAD v4.1: 3 of 1,613,896 alleles (0.00019%); highest among the groups gnomAD compares: Non-Finnish European, 0.00025%; no homozygotes.

Submissions (8):

Institute of Immunology and Genetics Kaiserslautern
Classification: Pathogenic for Thrombophilia due to protein C deficiency, autosomal dominant. Last evaluated: 2025-06-04. Review status: criteria provided, single submitter. Criteria: ACMG Guidelines, 2015. Collection method: clinical testing. Allele origin: germline. Affected: yes.
Comment: ACMG Criteria: PS3, PM1, PM2, PP1, PP2, PP5; Variant was found in heterozygous state.

Mayo Clinic Laboratories, Mayo Clinic
Classification: Pathogenic. Last evaluated: 2024-08-19. Review status: criteria provided, single submitter. Criteria: ACMG Guidelines, 2015. Collection method: clinical testing. Allele origin: germline. Observed: 3 variant alleles.
Comment: PP1_strong, PM1, PM2_supporting, PS4_moderate

MVZ Martinsried, Medicover Genetics
Classification: Likely pathogenic for Thrombophilia due to protein C deficiency, autosomal dominant. Last evaluated: 2024-01-18. Review status: criteria provided, single submitter. Criteria: ACGS Guidelines, 2020. Collection method: clinical testing. Allele origin: unknown. Affected: yes.

Labcorp Genetics (formerly Invitae), Labcorp
Classification: Pathogenic for Thrombophilia due to protein C deficiency, autosomal dominant. Last evaluated: 2023-10-13. Review status: criteria provided, single submitter. Criteria: Invitae Variant Classification Sherloc (09022015). Collection method: clinical testing. Allele origin: germline.
Comment: This sequence change replaces proline, which is neutral and non-polar, with leucine, which is neutral and non-polar, at codon 369 of the PROC protein (p.Pro369Leu). This variant is present in population databases (no rsID available, gnomAD 0.0009%). This missense change has been observed in individuals with protein C deficiency (PMID: 7792728, 23174622, 31254973). It has also been observed to segregate with disease in related individuals. This variant is also known as 8695C>T (Pro327Leu). ClinVar contains an entry for this variant (Variation ID: 1067044). Advanced modeling of protein sequence and biophysical properties (such as structural, functional, and spatial information, amino acid conservation, physicochemical variation, residue mobility, and thermodynamic stability) performed at Invitae indicates that this missense variant is expected to disrupt PROC protein function. For these reasons, this variant has been classified as Pathogenic.

ISTH-SSC Genomics in Thrombosis and Hemostasis, KU Leuven, Center for Molecular and Vascular Biology
Classification: Uncertain significance for Thrombophilia due to protein C deficiency, autosomal dominant. Review status: criteria provided, single submitter. Criteria: ACMG Guidelines, 2015. Collection method: clinical testing. Allele origin: germline. Affected: yes. Observed: 1 heterozygote.
Comment: Submitted to GoldVariant by Kathleen Freson, Center for Molecular and Vascular Biology, Leuven, Belgium

Juno Genomics, Hangzhou Juno Genomics, Inc
Classification: Likely pathogenic for Thrombophilia due to protein C deficiency, autosomal dominant; Thrombophilia due to protein C deficiency, autosomal recessive. Review status: criteria provided, single submitter. Criteria: ACMG Guidelines, 2015. Collection method: clinical testing. Allele origin: germline.
Comment: Absent from controls (or at extremely low frequency if recessive) in Genome Aggregation Database.;The prevalence of the variant in affected individuals is significantly increased compared to the prevalence in controls.;Patient's phenotype or family history is highly specific for a disease with a single genetic etiology.;Co-segregation with disease in multiple affected family members.

Zotz-Klimas Genetics Lab, MVZ Zotz Klimas
Classification: Pathogenic for Thrombophilia due to protein C deficiency, autosomal dominant. Last evaluated: 2023-11-02. Review status: no assertion criteria provided. Collection method: clinical testing. Allele origin: germline. Affected: yes. Not counted in ClinVar's aggregate classification.

Zotz-Klimas Genetics Lab, MVZ Zotz Klimas
Classification: Pathogenic for Thrombophilia due to protein C deficiency, autosomal recessive. Last evaluated: 2023-10-09. Review status: no assertion criteria provided. Collection method: clinical testing. Allele origin: germline. Affected: yes. Not counted in ClinVar's aggregate classification.

Literature cited by the submitters: PubMed 23174622 (cited by Mayo Clinic Laboratories, Mayo Clinic and Labcorp Genetics (formerly Invitae), Labcorp); PubMed 25533856 (cited by Mayo Clinic Laboratories, Mayo Clinic); PubMed 31254973 (cited by Mayo Clinic Laboratories, Mayo Clinic and Labcorp Genetics (formerly Invitae), Labcorp); PubMed 35626216 (cited by Mayo Clinic Laboratories, Mayo Clinic); PubMed 36696193 (cited by Mayo Clinic Laboratories, Mayo Clinic); PubMed 38155150 (cited by Mayo Clinic Laboratories, Mayo Clinic); PubMed 7792728 (cited by Mayo Clinic Laboratories, Mayo Clinic and Labcorp Genetics (formerly Invitae), Labcorp); PubMed 7865674 (cited by Mayo Clinic Laboratories, Mayo Clinic).